The following is an entry in ClinVar:

ClinVar aggregate classification (germline): Uncertain significance (1 of 4 stars; one submission).

Conditions:
Immunodeficiency, common variable, 4. Also called: ANTIBODY DEFICIENCY DUE TO BAFFR DEFECT. Identifiers: Orphanet 1572, Orphanet 696925, MedGen C3150739, MONDO:0013284, OMIM 613494.

Submission:

Labcorp Genetics (formerly Invitae), Labcorp
Classification: Uncertain significance for Common variable immunodeficiency 4. Last evaluated: 2019-07-11. Review status: criteria provided, single submitter. Criteria: Invitae Variant Classification Sherloc (09022015). Collection method: clinical testing. Allele origin: germline.
Comment: This variant results in a copy number gain of the genomic region encompassing the full coding sequence of the TNFRSF13C gene. The boundaries of this event are unknown as they extend beyond the assayed region for this gene and therefore may encompass additional genes. As the precise location of this event is unknown, it may be in tandem or it may be located elsewhere in the genome. This variant has not been reported in the literature in individuals with TNFRSF13C-related conditions. In summary, the available evidence is currently insufficient to determine the role of this variant in disease. Therefore, it has been classified as a Variant of Uncertain Significance.

NC_000022.11:g.(?_41925347)_(41926793_?)dup

Gene: TNFRSF13C (TNF receptor superfamily member 13C; minus strand). Cytogenetic location: 22q13.2.
Variant type: Duplication.
Identifiers: ClinVar variation 831372 (VCV000831372.2).